The following is an entry in ClinVar:

NM_007194.4(CHEK2):c.1371_1372del (p.Lys458fs)

Gene: CHEK2 (checkpoint kinase 2; minus strand). Cytogenetic location: 22q12.1.
Variant type: Microsatellite.
Coding change: c.1371_1372del on transcript NM_007194.4 (MANE Select); coding-DNA positions 1371 to 1372, 2 bases deleted (GA; older notation c.1371_1372delGA).
Protein change: p.Lys458fs; shifts the reading frame from lysine 458.
Molecular consequence: frameshift variant.
Genome position (GRCh38, 1-based): chr22:28,695,130-28,695,131, TC deleted on the plus strand (GA on the coding strand, the reverse complement: CHEK2 is on the minus strand); deleting any 2 consecutive bases within chr22:28,695,130-28,695,134 gives the same sequence; the c. name uses the placement nearest the transcript's 3' end. VCF-style (leftmost placement, unchanged base first): chr22-28695129-TTC-T. GRCh37 (hg19) VCF-style: chr22-29091117-TTC-T.
Other names: c.1371_1372delGA (NM_007194.3); c.1497_1498AG[1], p.Lys501Serfs (NM_001005735.3); c.705_706AG[1], p.Lys237Serfs (NM_001257387.3); c.1167_1168AG[1], p.Lys391Serfs (NM_001349956.3); c.1281_1282AG[1], p.Lys429Serfs (NM_145862.3); short protein forms K237fs, K391fs, K429fs, K501fs, K458fs.
Identifiers: ClinVar variation 948353 (VCV000948353.12), dbSNP rs2052513579, ClinGen allele CA2400237927.

ClinVar aggregate classification (germline): Pathogenic. Review status: criteria provided, multiple submitters, no conflicts (2 of 4 stars). 4 submissions from 4 submitters: Pathogenic (4). Last evaluated 2026-05-14.

Conditions:
Inherited breast cancer and ovarian cancer.
Hereditary cancer-predisposing syndrome. Also called: Hereditary Cancer Syndrome; Neoplastic Syndromes, Hereditary; Hereditary neoplastic syndrome; Tumor predisposition. Identifiers: Orphanet 140162, MedGen C0027672, MeSH D009386, MONDO:0015356.
Familial cancer of breast. Also called: BREAST CANCER, FAMILIAL; hereditary breast carcinoma; Hereditary breast cancer. Identifiers: Orphanet 227535, MedGen C0346153, MONDO:0016419, OMIM 114480. Disease mechanism: loss of function.

Submissions (4):

Genetics Laboratory, Great Ormond Street Hospital NHS Foundation Trust, North Thames Genomic Laboratory Hub
Classification: Pathogenic for Inherited breast cancer and ovarian cancer. Last evaluated: 2026-05-14. Review status: criteria provided, single submitter. Criteria: CanVIG CHEK2 Gene Specific V1.2. Collection method: clinical testing. Allele origin: germline. Affected: yes.
Comment: PM2_supporting, PVS1_very-strong, PM5_supporting

Ambry Genetics
Classification: Pathogenic for Hereditary cancer-predisposing syndrome. Last evaluated: 2024-10-18. Review status: criteria provided, single submitter. Criteria: Ambry Variant Classification Scheme 2023. Collection method: clinical testing. Allele origin: germline.
Comment: The c.1371_1372delGA pathogenic mutation, located in coding exon 11 of the CHEK2 gene, results from a deletion of two nucleotides at nucleotide positions 1371 to 1372, causing a translational frameshift with a predicted alternate stop codon (p.K458Sfs*31). This variant is considered to be rare based on population cohorts in the Genome Aggregation Database (gnomAD). This alteration is expected to result in loss of function by premature protein truncation or nonsense-mediated mRNA decay. As such, this alteration is interpreted as a disease-causing mutation.

Myriad Genetics, Inc.
Classification: Pathogenic for Familial cancer of breast. Last evaluated: 2023-06-28. Review status: criteria provided, single submitter. Criteria: Myriad Autosomal Dominant, Autosomal Recessive and X-Linked Classification Criteria (2023). Collection method: clinical testing. Allele origin: unknown.
Comment: This variant is considered pathogenic. This variant creates a frameshift predicted to result in premature protein truncation.

Labcorp Genetics (formerly Invitae), Labcorp
Classification: Pathogenic for Familial cancer of breast. Last evaluated: 2020-10-15. Review status: criteria provided, single submitter. Criteria: Invitae Variant Classification Sherloc (09022015). Collection method: clinical testing. Allele origin: germline.
Comment: For these reasons, this variant has been classified as Pathogenic. Loss-of-function variants in CHEK2 are known to be pathogenic (PMID: 21876083, 24713400). This variant has not been reported in the literature in individuals with CHEK2-related conditions. ClinVar contains an entry for this variant (Variation ID: 948353). This variant is not present in population databases (ExAC no frequency). This sequence change creates a premature translational stop signal (p.Lys458Serfs*31) in the CHEK2 gene. It is expected to result in an absent or disrupted protein product.

Literature cited by the submitters: PubMed 21876083 (cited by Labcorp Genetics (formerly Invitae), Labcorp); PubMed 24713400 (cited by Labcorp Genetics (formerly Invitae), Labcorp).